The following is an entry in ClinVar:

NM_206933.4(USH2A):c.15479del (p.Asn5160fs)

Gene: USH2A (usherin; minus strand). Cytogenetic location: 1q41.
Variant type: Deletion.
Coding change: c.15479del on transcript NM_206933.4 (MANE Select); coding-DNA position 15479, one base deleted (A; older notation c.15479delA).
Protein change: p.Asn5160fs; shifts the reading frame from asparagine 5160.
Molecular consequence: frameshift variant.
Genome position (GRCh38, 1-based): chr1:215,628,854, T deleted on the plus strand (A on the coding strand, the reverse complement: USH2A is on the minus strand); the first of 2 consecutive T bases (chr1:215,628,854-215,628,855); deleting either gives the same sequence. VCF-style (leftmost placement, unchanged base first): chr1-215628853-GT-G. GRCh37 (hg19) VCF-style: chr1-215802195-GT-G.
Other names: short protein forms N5160fs.
Identifiers: ClinVar variation 1959818 (VCV001959818.5), dbSNP rs2464752319, ClinGen allele CA2580062030.

ClinVar aggregate classification (germline): Pathogenic (1 of 4 stars; one submission).

Submission:

Labcorp Genetics (formerly Invitae), Labcorp
Classification: Pathogenic. Last evaluated: 2022-10-28. Review status: criteria provided, single submitter. Criteria: Invitae Variant Classification Sherloc (09022015). Collection method: clinical testing. Allele origin: germline.
Comment: This sequence change creates a premature translational stop signal (p.Asn5160Thrfs*21) in the USH2A gene. While this is not anticipated to result in nonsense mediated decay, it is expected to disrupt the last 43 amino acid(s) of the USH2A protein. This variant is not present in population databases (gnomAD no frequency). This variant has not been reported in the literature in individuals affected with USH2A-related conditions. This variant disrupts a region of the USH2A protein in which other variant(s) (p.Ile5166Val) have been determined to be pathogenic (PMID: 26969326, 27460420, 32531858). This suggests that this is a clinically significant region of the protein, and that variants that disrupt it are likely to be disease-causing. For these reasons, this variant has been classified as Pathogenic.

Literature cited by the submitters: PubMed 26969326; PubMed 27460420; PubMed 32531858.